The following is an entry in ClinVar:

NM_001199107.2(TBC1D24):c.641G>A (p.Arg214His)

Genes: CCNF (cyclin F; plus strand), TBC1D24 (TBC1 domain family member 24; plus strand). Cytogenetic location: 16p13.3.
Variant type: single nucleotide variant.
Coding change: c.641G>A on transcript NM_001199107.2 (MANE Select); coding-DNA position 641, G replaced by A.
Protein change: p.Arg214His; replaces arginine 214 with histidine.
Molecular consequence: missense variant.
Genome position (GRCh38, 1-based): chr16:2,496,789, G>A. VCF-style: chr16-2496789-G-A. GRCh37 (hg19) VCF-style: chr16-2546790-G-A.
Other names: p.R214H:CGC>CAC; c.641G>A, p.Arg214His (NM_020705.3); short protein forms R214H.
Identifiers: ClinVar variation 130540 (VCV000130540.101), dbSNP rs200324356, ClinGen allele CA289069.

ClinVar aggregate classification (germline): Conflicting classifications of pathogenicity. Review status: criteria provided, conflicting classifications (1 of 4 stars). 15 submissions from 15 submitters: Uncertain significance (8); Benign (2); Likely benign (4). 1 of the submissions does not count toward it. Last evaluated 2026-09-01.

Conditions:
TBC1D24-related disorder. Also called: TBC1D24-related disorders; TBC1D24-related condition. Identifiers: MedGen CN381194.
Autosomal dominant nonsyndromic hearing loss 65. Also called: Deafness, autosomal dominant 65; TBC1D24-Related Autosomal Dominant Nonsyndromic Hearing Loss (DFNA). Identifiers: Orphanet 90635, MedGen C3892048, MONDO:0014470, OMIM 616044.
Developmental and epileptic encephalopathy, 1 (DEE1). Also called: INFANTILE SPASM SYNDROME, X-LINKED 1; OHTAHARA SYNDROME, X-LINKED; X-linked infantile spasms; West's syndrome; Tonic spasms with clustering, arrest of psychomotor development and hypsarrhythmia on EEG; X-Linked Infantile Spasm Syndrome. Identifiers: MedGen C3463992, MONDO:0010632, OMIM 308350. Disease mechanism: loss of function.
Inborn genetic diseases. Identifiers: MedGen C0950123, MeSH D030342.
Autosomal recessive nonsyndromic hearing loss 86 (DFNB86). Also called: Deafness , autosomal recessive 86; TBC1D24-Related Autosomal Recessive Nonsyndromic Hearing Loss (DFNB). Identifiers: Orphanet 90636, MedGen C2829265, MONDO:0013826, OMIM 614617.
Familial infantile myoclonic epilepsy (FIME). Also called: TBC1D24-Related Familial Infantile Myoclonic Epilepsy (FIME); Epilepsy, Myoclonic, Infantile. Identifiers: Orphanet 352582, MedGen C0917800, MONDO:0011506, OMIM 605021.

Allele frequency attached by ClinVar (database versions not stated): gnomAD 0.00080 and 0.00068; TOPMed 0.00081; gnomAD exomes 0.00097; ExAC 0.00102; ESP Exome Variant Server 0.00110; 1000 Genomes Project 30x 0.00141; 1000 Genomes Project 0.00160.
gnomAD v4.1: 1,546 of 1,613,990 alleles (0.096%); highest among the groups gnomAD compares: Middle Eastern, 0.56%; 5 homozygotes.

Submissions (15):

CeGaT Center for Human Genetics Tuebingen
Classification: Likely benign. Last evaluated: 2026-09-01. Review status: criteria provided, single submitter. Criteria: CeGaT Center For Human Genetics Tuebingen Variant Classification Criteria Version 2. Collection method: clinical testing. Allele origin: germline. Affected: yes. Observed: 29 variant alleles.
Comment: TBC1D24: BP4, BS2

PreventionGenetics, part of Exact Sciences
Classification: Uncertain significance for TBC1D24-related condition. Last evaluated: 2026-08-19. Review status: criteria provided, single submitter. Criteria: ACMG Guidelines, 2015. Collection method: clinical testing. Allele origin: germline.
Comment: The TBC1D24 c.641G>A variant is predicted to result in the amino acid substitution p.Arg214His. This variant was reported in the heterozygous state in a patient with epilepsy (Della Mina et al. 2015. PubMed ID: 24848745) and in a patient with retinal disease (Audo et al. 2012. PubMed ID: 22277662). This variant was also reported along with a second causative or potentially causative variant in several patients with hearing loss (Bakhchane et al. 2015. PubMed ID: 26371875; Table S2, Perry et al. 2022. PubMed ID: 36515421; Table S1, Peart et al. 2023. PubMed ID: 37996878; Van Heurck et al. 2021. PubMed ID: 34440452; Gombojav et al. 2024. PubMed ID: 39336818), including one homozygous affected individual (Reis et al. 2022. PubMed ID: 35580552). This variant is reported in 0.19% of alleles in individuals of South Asian descent in gnomAD, including five homozygous individuals in the larger gnomAD v4.1.1 database. This variant has been suggested to be a hypomorphic variant resulting in hearing loss only when combined with a severe pathogenic variant on the opposite allele (Bakhchane et al. 2015. PubMed ID: 26371875). This variant has conflicting interpretations of pathogenicity in ClinVar ranging from benign to likely pathogenic (Variation ID: 130540). At this time, the clinical significance of this variant is uncertain due to the absence of conclusive functional and genetic evidence.

Labcorp Genetics (formerly Invitae), Labcorp
Classification: Likely benign for Developmental and epileptic encephalopathy, 1; Autosomal dominant nonsyndromic hearing loss 65. Last evaluated: 2026-01-05. Review status: criteria provided, single submitter. Criteria: Invitae Variant Classification Sherloc (09022015). Collection method: clinical testing. Allele origin: germline.

GeneDx
Classification: Uncertain significance. Last evaluated: 2025-10-11. Review status: criteria provided, single submitter. Criteria: GeneDx Variant Classification Process June 2021. Collection method: clinical testing. Allele origin: germline. Affected: yes.
Comment: Identified with a second TBC1D24 variant on the opposite allele (in trans) in siblings with nonsyndromic hearing loss in published literature; authors propose that the p.(R214H) variant may be hypomorphic, resulting in a milder phenotype (PMID: 26371875); In silico analysis suggests that this missense variant does not alter protein structure/function; This variant is associated with the following publications: (PMID: 27259978, 22277662, 24848745, 29741288, 32987832, 28428906, 34426522, 32860223, 29358611, 28301460, 27281533, 34440452, 35580552, 26371875, 36374051, 33986365, 36515421, 36964972, 37811145, 28951997, 37996878, 24291220, 39336818)

Blueprint Genetics
Classification: Uncertain significance. Last evaluated: 2024-10-31. Review status: criteria provided, single submitter. Criteria: ACMG Guidelines, 2015. Collection method: clinical testing. Allele origin: germline.

Genetic Services Laboratory, University of Chicago
Classification: Uncertain significance. Last evaluated: 2019-06-11. Review status: criteria provided, single submitter. Criteria: ACMG Guidelines, 2015. Collection method: clinical testing. Allele origin: germline. Affected: no.

Mendelics
Classification: Benign. Last evaluated: 2019-05-28. Review status: criteria provided, single submitter. Criteria: Mendelics Assertion Criteria 2017. Collection method: clinical testing. Allele origin: unknown.

Laboratory for Molecular Medicine, Mass General Brigham Personalized Medicine
Classification: Likely benign. Last evaluated: 2019-03-01. Review status: criteria provided, single submitter. Criteria: LMM Criteria. Collection method: clinical testing. Allele origin: germline. Observed: 3 variant alleles.
Comment: The p.Arg214His variant in TBC1D24 is classified as likely benign due to its high allele frequency. Although it has been reported in trans with a likely pathogenic variant in two Morroccan probands with hearing loss (2/272 alleles), it was also identified at a similar frequency in a race matched control population (1%, 4/400 chromosomes; Bakhchane 2015). Furthermore, this variant has been reported in several populations by gnomAD with a total allele frequency of 0.1% (271/280420) and an allele frequency of 0.19% (58/30602) of South Asian chromosomes including 1 homozygote. ACMG/AMP criteria: BS1.

Athena Diagnostics
Classification: Likely benign. Last evaluated: 2018-11-14. Review status: criteria provided, single submitter. Criteria: Athena Diagnostics Criteria. Collection method: clinical testing. Allele origin: germline.

Center of Genomic medicine, Geneva, University Hospital of Geneva
Classification: Uncertain significance for Autosomal recessive nonsyndromic hearing loss 86. Last evaluated: 2018-05-31. Review status: criteria provided, single submitter. Criteria: ACMG Guidelines, 2015. Collection method: clinical testing. Allele origin: maternal. Affected: yes. Observed: 2 variant alleles.
Comment: Both patients harbour also a second variant (see below) in this gene in compound heterozygosity

Ambry Genetics
Classification: Uncertain significance for Inborn genetic diseases. Last evaluated: 2018-03-22. Review status: criteria provided, single submitter. Criteria: Ambry Variant Classification Scheme 2023. Collection method: clinical testing. Allele origin: germline.
Comment: The p.R214H variant (also known as c.641G>A), located in coding exon 1 of the TBC1D24 gene, results from a G to A substitution at nucleotide position 641. The arginine at codon 214 is replaced by histidine, an amino acid with highly similar properties. This variant was identified with another TBC1D24 variant in three families with non-syndromic hearing loss; the variant was suggested to act as a hypomorph (Bakhchane A et al. PLoS ONE, 2015 Sep;10:e0138072; Rehman AU et al. Oral Dis, 2017 Jul;23:551-558). This variant was also detected in a patient with neonatal seizures and pervasive developmental disorder; however, the patient also had a de novo KCNQ2 mutation (Della Mina E et al. Eur. J. Hum. Genet., 2015 Mar;23:354-62). This amino acid position is highly conserved in available vertebrate species. In addition, this alteration is predicted to be tolerated by in silico analysis. Since supporting evidence is limited at this time, the clinical significance of this variant remains unclear.

Genomic Research Center, Shahid Beheshti University of Medical Sciences
Classification: Uncertain significance for Developmental and epileptic encephalopathy, 1. Last evaluated: 2018-03-05. Review status: criteria provided, single submitter. Criteria: ACMG Guidelines, 2015. Collection method: clinical testing. Allele origin: inherited. Affected: yes. Observed: 1 variant allele.

Illumina Laboratory Services, Illumina
Classification: Benign for Familial infantile myoclonic epilepsy. Last evaluated: 2017-04-27. Review status: criteria provided, single submitter. Criteria: ICSL Variant Classification Criteria 13 December 2019. Collection method: clinical testing. Allele origin: germline.
Comment: This variant was observed as part of a predisposition screen in an ostensibly healthy population. A literature search was performed for the gene, cDNA change, and amino acid change (where applicable). Publications were found based on this search. The evidence from the literature, in combination with allele frequency data from public databases where available, was sufficient to rule this variant out of causing disease. Therefore, this variant is classified as benign.

Genomic Diagnostic Laboratory, Division of Genomic Diagnostics, Children's Hospital of Philadelphia
Classification: Uncertain significance. Last evaluated: 2015-09-24. Review status: criteria provided, single submitter. Criteria: DGD Variant Analysis Guidelines. Collection method: clinical testing. Allele origin: unknown.

Victorian Clinical Genetics Services, Murdoch Childrens Research Institute
Classification: Likely pathogenic for Autosomal recessive nonsyndromic hearing loss 86. Last evaluated: 2020-06-11. Review status: flagged submission. Criteria: ACMG Guidelines, 2015. Collection method: clinical testing. Allele origin: germline. Inheritance: Autosomal recessive inheritance. Affected: yes. Not counted in ClinVar's aggregate classification.
Comment: Based on the classification scheme VCGS_Germline_v1.1.1, this variant is classified as likely pathogenic. Following criteria are met: 0102 - Loss-of-function is a known mechanism of disease for this gene (PMID: 27281533). (N) 0108 - This gene is known to be associated with both recessive and dominant disease. Only a single missense has been reported to cause autosomal dominant disease (OMIM). (N) 0200 - Variant is predicted to result in a missense amino acid change from arginine to histidine (exon 2). (N) 0251 - Variant is heterozygous. (N) 0304 - Variant is present in gnomAD <0.01 for a recessive condition (269 heterozygotes, 1 homozygote). (P) 0309 - An alternative amino acid change at the same position has been observed in gnomAD (3 heterozygotes, 0 homozygotes). (N) 0502 - Missense variant with conflicting in silico predictions and/or uninformative conservation. (N) 0600 - Variant is located in an annotated domain or motif, (Rab-GTPase-TBC domain; PDB, NCBI). (N) 0705 - A comparable variant (p.Arg214Cys) has been previous reported as a VUS (ClinVar). (N) 0808 - Previous reports of pathogenicity are conflicting. This variant has been reported as a VUS, likely benign and likely pathogenic (ClinVar, LOVD). All reports of this variant being benign are in relation to epilepsy studies (PMID: 24848745, PMID: 29358611), however, this variant has been called a hypomorphic allele, and disease causing within deafness patients (PMID: 26371875, PMID: 28951997). (N) 0901 - Strong evidence for segregation with disease. This variant has been shown to segregate in two families with hearing loss (PMID: 26371875). (P) 1007 - No published functional evidence has been identified for this variant. (N) 1201 - Heterozygous variant detected in trans with a second (at least likely) pathogenic heterozygous variant in a recessive disease (IGV). (P) 1208 - Inheritance information for this variant is not currently available. (N) Legend: (P) - Pathogenic, (N) - Neutral, (B) - Benign
ClinVar note: Reason: Outlier claim with insufficient supporting evidence

Literature cited by the submitters: PubMed 22277662 (cited by 3 submitters); PubMed 24848745 (cited by 5 submitters); PubMed 29358611 (cited by Laboratory for Molecular Medicine, Mass General Brigham Personalized Medicine and Victorian Clinical Genetics Services, Murdoch Childrens Research Institute); PubMed 27259978 (cited by 3 submitters); PubMed 28301460 (cited by Laboratory for Molecular Medicine, Mass General Brigham Personalized Medicine); PubMed 26371875 (cited by 5 submitters); PubMed 27281533 (cited by Athena Diagnostics and Victorian Clinical Genetics Services, Murdoch Childrens Research Institute); PubMed 28951997 (cited by Victorian Clinical Genetics Services, Murdoch Childrens Research Institute).